The following is an entry in ClinVar:

ClinVar aggregate classification (germline): Uncertain significance (1 of 4 stars; one submission).

Conditions:
Hereditary cancer-predisposing syndrome. Also called: Tumor predisposition; Hereditary Cancer Syndrome; Neoplastic Syndromes, Hereditary; Hereditary neoplastic syndrome. Identifiers: Orphanet 140162, MedGen C0027672, MeSH D009386, MONDO:0015356.

Allele frequency attached by ClinVar (database versions not stated): gnomAD exomes below 0.00001.
gnomAD v4.1: 1 of 1,590,576 alleles (0.000063%); highest among the groups gnomAD compares: South Asian, 0.0012%; no homozygotes.

Submission:

Ambry Genetics
Classification: Uncertain significance for Hereditary cancer-predisposing syndrome. Last evaluated: 2020-01-02. Review status: criteria provided, single submitter. Criteria: Ambry Variant Classification Scheme 2023. Collection method: clinical testing. Allele origin: germline.
Comment: The p.A883V variant (also known as c.2648C>T), located in coding exon 19 of the TSC1 gene, results from a C to T substitution at nucleotide position 2648. The alanine at codon 883 is replaced by valine, an amino acid with similar properties. This amino acid position is not well conserved in available vertebrate species. In addition, this alteration is predicted to be tolerated by in silico analysis. Since supporting evidence is limited at this time, the clinical significance of this alteration remains unclear.

NM_000368.5(TSC1):c.2648C>T (p.Ala883Val)

Gene: TSC1 (TSC complex subunit 1; minus strand). Cytogenetic location: 9q34.13.
Variant type: single nucleotide variant.
Coding change: c.2648C>T on transcript NM_000368.5 (MANE Select); coding-DNA position 2648, C replaced by T.
Protein change: p.Ala883Val; replaces alanine 883 with valine.
Molecular consequence: missense variant.
Genome position (GRCh38, 1-based): chr9:132,897,588, G>A on the plus strand (C>T on the coding strand, the complement: TSC1 is on the minus strand). VCF-style: chr9-132897588-G-A. GRCh37 (hg19) VCF-style: chr9-135772975-G-A.
Other names: c.2645C>T, p.Ala882Val (NM_001162426.2, NM_001406597.1, NM_001406598.1 and 2 more transcripts); c.2495C>T, p.Ala832Val (NM_001162427.2, NM_001406610.1); c.2285C>T, p.Ala762Val (NM_001362177.2, NM_001406614.1, NM_001406615.1 and 4 more transcripts); c.2648C>T, p.Ala883Val (NM_001406592.1, NM_001406593.1, NM_001406594.1 and 2 more transcripts); c.2633C>T, p.Ala878Val (NM_001406601.1, NM_001406602.1); c.2630C>T, p.Ala877Val (NM_001406603.1, NM_001406604.1); c.2606C>T, p.Ala869Val (NM_001406605.1, NM_001406606.1, NM_001406607.1); c.2603C>T, p.Ala868Val (NM_001406608.1, NM_001406609.1); and 8 more; short protein forms A747V, A878V, A565V, A566V, A761V, A832V, A869V, A882V.
Identifiers: ClinVar variation 1794274 (VCV001794274.2), dbSNP rs2131638984, ClinGen allele CA375369635.
Genomic context (GRCh38, chr9:132,897,588, plus strand): 5'-TCAAGCCTCTGAGTCTGCTGGAGAACATGGCTTCTGTTTTTTTCTAGCTCTTTCCGATAG[G>A]CGGCTTTCATCATTTCTACTTCCTGAAAAAAAAAAAAAAAAAAGACTGGAATTAGTACTT-3'
Protein context (NP_000359.1, residues 873-893): TTKEVEMMKA[Ala883Val]YRKELEKNRS